The following is an entry in ClinVar:

ClinVar aggregate classification (germline): Benign (1 of 4 stars; one submission).

Conditions:
CBL-related disorder. Also called: NOONAN SYNDROME-LIKE DISORDER WITHOUT JUVENILE MYELOMONOCYTIC LEUKEMIA; CBL MUTATION-ASSOCIATED SYNDROME; CBL SYNDROME. Identifiers: Orphanet 363972, MedGen C3150803, MONDO:0013308, OMIM 613563.

Allele frequency attached by ClinVar (database versions not stated): 1000 Genomes Project 0.00659; 1000 Genomes Project 30x 0.00718; gnomAD 0.01326 and 0.01337; TOPMed 0.01350; gnomAD exomes 0.01507.
gnomAD v4.1: 3,192 of 230,480 alleles (1.4%); highest among the groups gnomAD compares: Middle Eastern, 2.5%; 23 homozygotes.

Submission:

Illumina Laboratory Services, Illumina
Classification: Benign for CBL-related disorder. Last evaluated: 2018-01-12. Review status: criteria provided, single submitter. Criteria: ICSL Variant Classification Criteria 13 December 2019. Collection method: clinical testing. Allele origin: germline.
Comment: This variant was observed in the ICSL laboratory as part of a predisposition screen in an ostensibly healthy population. It had not been previously curated by ICSL or reported in the Human Gene Mutation Database (HGMD: prior to June 1st, 2018), and was therefore a candidate for classification through an automated scoring system. Utilizing variant allele frequency, disease prevalence and penetrance estimates, and inheritance mode, an automated score was calculated to assess if this variant is too frequent to cause the disease. Based on the score and internal cut-off values, a variant classified as benign is not then subjected to further curation. The score for this variant resulted in a classification of benign for this disease.

NM_005188.4(CBL):c.*5648T>C

Gene: CBL (Cbl proto-oncogene; plus strand). Cytogenetic location: 11q23.3.
Variant type: single nucleotide variant.
Coding change: c.*5648T>C on transcript NM_005188.4 (MANE Select); 5648 bases downstream of the stop codon, T replaced by C.
Molecular consequence: 3 prime UTR variant.
Genome position (GRCh38, 1-based): chr11:119,305,429, T>C. VCF-style: chr11-119305429-T-C. GRCh37 (hg19) VCF-style: chr11-119176139-T-C.
Identifiers: ClinVar variation 302867 (VCV000302867.5), dbSNP rs79889393, ClinGen allele CA10637419.